The following is an entry in ClinVar:

NM_005633.4(SOS1):c.3896C>G (p.Ser1299Cys)

Gene: SOS1 (SOS Ras/Rac guanine nucleotide exchange factor 1; minus strand). Cytogenetic location: 2p22.1.
Variant type: single nucleotide variant.
Coding change: c.3896C>G on transcript NM_005633.4 (MANE Select); coding-DNA position 3896, C replaced by G.
Protein change: p.Ser1299Cys; replaces serine 1299 with cysteine.
Molecular consequence: missense variant.
Genome position (GRCh38, 1-based): chr2:38,985,930, G>C on the plus strand (C>G on the coding strand, the complement: SOS1 is on the minus strand). VCF-style: chr2-38985930-G-C. GRCh37 (hg19) VCF-style: chr2-39213071-G-C.
Other names: c.3875C>G, p.Ser1292Cys (NM_001382394.1); c.3851C>G, p.Ser1284Cys (NM_001382395.1); short protein forms S1284C, S1292C, S1299C.
Identifiers: ClinVar variation 3632883 (VCV003632883.2).

ClinVar aggregate classification (germline): Uncertain significance (1 of 4 stars; one submission).

Conditions:
RASopathy. Also called: Noonan spectrum disorder; rasopathies. Identifiers: Orphanet 536391, MedGen C5555857, MONDO:0021060.

Submission:

Labcorp Genetics (formerly Invitae), Labcorp
Classification: Uncertain significance for RASopathy. Last evaluated: 2025-01-22. Review status: criteria provided, single submitter. Criteria: Invitae Variant Classification Sherloc (09022015). Collection method: clinical testing. Allele origin: germline.
Comment: This sequence change replaces serine, which is neutral and polar, with cysteine, which is neutral and slightly polar, at codon 1299 of the SOS1 protein (p.Ser1299Cys). This variant is not present in population databases (gnomAD no frequency). This variant has not been reported in the literature in individuals affected with SOS1-related conditions. Invitae Evidence Modeling of protein sequence and biophysical properties (such as structural, functional, and spatial information, amino acid conservation, physicochemical variation, residue mobility, and thermodynamic stability) indicates that this missense variant is not expected to disrupt SOS1 protein function with a negative predictive value of 95%. In summary, the available evidence is currently insufficient to determine the role of this variant in disease. Therefore, it has been classified as a Variant of Uncertain Significance.